The following is an entry in ClinVar:

NM_002838.5(PTPRC):c.16T>A (p.Trp6Arg)

Gene: PTPRC (protein tyrosine phosphatase receptor type C; plus strand). Cytogenetic location: 1q31.3.
Variant type: single nucleotide variant.
Coding change: c.16T>A on transcript NM_002838.5 (MANE Select); coding-DNA position 16, T replaced by A.
Protein change: p.Trp6Arg; replaces tryptophan 6 with arginine.
Molecular consequence: missense variant. On other transcripts: non-coding transcript variant (1).
Genome position (GRCh38, 1-based): chr1:198,639,284, T>A. VCF-style: chr1-198639284-T-A. GRCh37 (hg19) VCF-style: chr1-198608414-T-A.
Other names: c.16T>A, p.Trp6Arg (NM_001267798.2, NM_080921.4); short protein forms W6R.
Identifiers: ClinVar variation 1411417 (VCV001411417.5), dbSNP rs761069010, ClinGen allele CA1314363.

ClinVar aggregate classification (germline): Uncertain significance (1 of 4 stars; one submission).

Conditions:
Immunodeficiency 104. Also called: SCID, AUTOSOMAL RECESSIVE, T CELL-NEGATIVE, B CELL-POSITIVE, NK CELL-POSITIVE; Severe combined immunodeficiency, autosomal recessive, T cell-negative, B cell-positive, NK cell-positive; IMMUNODEFICIENCY 104, SEVERE COMBINED; Severe Combined Immune Deficiency, Autosomal Recessive, TCell -Negative, B Cell-Positive, NK Cell-Positive, IL7R-Related. Identifiers: MedGen C5676890, MONDO:0012163, OMIM 608971.

Allele frequency attached by ClinVar (database versions not stated): gnomAD exomes below 0.00001; ExAC 0.00001.
gnomAD v4.1: 4 of 1,613,508 alleles (0.00025%); highest among the groups gnomAD compares: Non-Finnish European, 0.00034%; no homozygotes.

Submission:

Labcorp Genetics (formerly Invitae), Labcorp
Classification: Uncertain significance for Immunodeficiency 104. Last evaluated: 2021-09-01. Review status: criteria provided, single submitter. Criteria: Invitae Variant Classification Sherloc (09022015). Collection method: clinical testing. Allele origin: germline.
Comment: This sequence change replaces tryptophan with arginine at codon 6 of the PTPRC protein (p.Trp6Arg). The tryptophan residue is moderately conserved and there is a moderate physicochemical difference between tryptophan and arginine. This variant is present in population databases (rs761069010, ExAC 0.002%). This variant has not been reported in the literature in individuals affected with PTPRC-related conditions. Algorithms developed to predict the effect of missense changes on protein structure and function are either unavailable or do not agree on the potential impact of this missense change (SIFT: "Deleterious"; PolyPhen-2: "Possibly Damaging"; Align-GVGD: "Class C0"). Algorithms developed to predict the effect of sequence changes on RNA splicing suggest that this variant may create or strengthen a splice site. In summary, the available evidence is currently insufficient to determine the role of this variant in disease. Therefore, it has been classified as a Variant of Uncertain Significance.